The following is an entry in ClinVar:

ClinVar aggregate classification (germline): Uncertain significance (1 of 4 stars; one submission).

Conditions:
O'Donnell-Luria-Rodan syndrome (ODLURO). Also called: KMT2E-Related Neurodevelopmental Disorder. Identifiers: MedGen C5193138, MONDO:0032793, OMIM 618512.

Submission:

Laboratorio de Genetica e Diagnostico Molecular, Hospital Israelita Albert Einstein
Classification: Uncertain significance for O'Donnell-Luria-Rodan syndrome. Last evaluated: 2022-09-23. Review status: criteria provided, single submitter. Criteria: ACMG Guidelines, 2015. Collection method: clinical testing. Allele origin: germline. Affected: yes. Observed: 1 variant allele.
Comment: ACMG classification criteria: PM2 moderated

NM_182931.3(KMT2E):c.2302G>A (p.Ala768Thr)

Gene: KMT2E (lysine methyltransferase 2E (inactive); plus strand). Cytogenetic location: 7q22.3.
Variant type: single nucleotide variant.
Coding change: c.2302G>A on transcript NM_182931.3 (MANE Select); coding-DNA position 2302, G replaced by A.
Protein change: p.Ala768Thr; replaces alanine 768 with threonine.
Molecular consequence: missense variant.
Genome position (GRCh38, 1-based): chr7:105,105,544, G>A. VCF-style: chr7-105105544-G-A. GRCh37 (hg19) VCF-style: chr7-104745991-G-A.
Other names: c.2302G>A, p.Ala768Thr (NM_001410908.1, NM_018682.4); short protein forms A768T.
Identifiers: ClinVar variation 2431682 (VCV002431682.1), dbSNP rs2536502911, ClinGen allele CA368785980.
Genomic context (GRCh38, chr7:105,105,544, plus strand): 5'-AAACCTTCAGATGGCCTTTCAGAAAGGCCTCTACGCATAACTACAGATCCTGAAGTGTTA[G>A]CTACACAACTCAATTCTTTACCAGGTCTCACTTACAGCCCCCATGTATACTCCACTCCTA-3'
Protein context (NP_891847.1, residues 758-778): LRITTDPEVL[Ala768Thr]TQLNSLPGLT